The following is an entry in ClinVar:

NM_000522.5(HOXA13):c.418G>T (p.Gly140Cys)

Genes: HOXA13 (homeobox A13; minus strand), LOC107126288 (NUP98-HOXA13 recombination region; plus strand). Cytogenetic location: 7p15.2.
Variant type: single nucleotide variant.
Coding change: c.418G>T on transcript NM_000522.5 (MANE Select); coding-DNA position 418, G replaced by T.
Protein change: p.Gly140Cys; replaces glycine 140 with cysteine.
Molecular consequence: missense variant.
Genome position (GRCh38, 1-based): chr7:27,199,660, C>A on the plus strand (G>T on the coding strand, the complement: HOXA13 is on the minus strand). VCF-style: chr7-27199660-C-A. GRCh37 (hg19) VCF-style: chr7-27239279-C-A.
Other names: c.418G>T (NM_000522.4); short protein forms G140C.
Identifiers: ClinVar variation 1927936 (VCV001927936.6), dbSNP rs1332603170, ClinGen allele CA367073685.

ClinVar aggregate classification (germline): Uncertain significance. Review status: criteria provided, multiple submitters, no conflicts (2 of 4 stars). 2 submissions from 2 submitters: Uncertain significance (2). Last evaluated 2026-02-01.

Conditions:
HOXA13-related disorder. Also called: HOXA13-related condition.

Allele frequency attached by ClinVar (database versions not stated): gnomAD 0.00005.
gnomAD v4.1: 64 of 1,239,458 alleles (0.0052%); highest among the groups gnomAD compares: Non-Finnish European, 0.0057%; no homozygotes.

Submissions (2):

Labcorp Genetics (formerly Invitae), Labcorp
Classification: Uncertain significance. Last evaluated: 2026-02-01. Review status: criteria provided, single submitter. Criteria: Invitae Variant Classification Sherloc (09022015). Collection method: clinical testing. Allele origin: germline.
Comment: This sequence change replaces glycine, which is neutral and non-polar, with cysteine, which is neutral and slightly polar, at codon 140 of the HOXA13 protein (p.Gly140Cys). This variant is present in population databases (no rsID available, gnomAD 0.007%). This variant has not been reported in the literature in individuals affected with HOXA13-related conditions. ClinVar contains an entry for this variant (Variation ID: 1927936). Invitae Evidence Modeling of protein sequence and biophysical properties (such as structural, functional, and spatial information, amino acid conservation, physicochemical variation, residue mobility, and thermodynamic stability) indicates that this missense variant is not expected to disrupt HOXA13 protein function with a negative predictive value of 80%. In summary, the available evidence is currently insufficient to determine the role of this variant in disease. Therefore, it has been classified as a Variant of Uncertain Significance.

PreventionGenetics, part of Exact Sciences
Classification: Uncertain significance for HOXA13-related condition. Last evaluated: 2024-11-25. Review status: criteria provided, single submitter. Criteria: ACMG Guidelines, 2015. Collection method: clinical testing. Allele origin: germline.
Comment: The HOXA13 c.418G>T variant is predicted to result in the amino acid substitution p.Gly140Cys. To our knowledge, this variant has not been reported in the literature. This variant is reported in 0.0073% of alleles in individuals of European (non-Finnish) descent in gnomAD. At this time, the clinical significance of this variant is uncertain due to the absence of conclusive functional and genetic evidence.